The following is an entry in ClinVar:

NM_004944.4(DNASE1L3):c.62T>G (p.Met21Arg)

Gene: DNASE1L3 (deoxyribonuclease 1L3; minus strand). Cytogenetic location: 3p14.3.
Variant type: single nucleotide variant.
Coding change: c.62T>G on transcript NM_004944.4 (MANE Select); coding-DNA position 62, T replaced by G.
Protein change: p.Met21Arg; replaces methionine 21 with arginine.
Molecular consequence: missense variant.
Genome position (GRCh38, 1-based): chr3:58,210,845, A>C on the plus strand (T>G on the coding strand, the complement: DNASE1L3 is on the minus strand). VCF-style: chr3-58210845-A-C. GRCh37 (hg19) VCF-style: chr3-58196572-A-C.
Other names: c.62T>G, p.Met21Arg (NM_001256560.2); short protein forms M21R.
Identifiers: ClinVar variation 2117997 (VCV002117997.4), dbSNP rs759796258, ClinGen allele CA2470138.

ClinVar aggregate classification (germline): Uncertain significance (1 of 4 stars; one submission).

Allele frequency attached by ClinVar (database versions not stated): gnomAD exomes below 0.00001; TOPMed below 0.00001; ExAC 0.00002.
gnomAD v4.1: 2 of 1,614,122 alleles (0.00012%); highest among the groups gnomAD compares: Admixed American, 0.0033%; no homozygotes.

Submission:

Labcorp Genetics (formerly Invitae), Labcorp
Classification: Uncertain significance. Last evaluated: 2024-06-03. Review status: criteria provided, single submitter. Criteria: Invitae Variant Classification Sherloc (09022015). Collection method: clinical testing. Allele origin: germline.
Comment: This sequence change replaces methionine, which is neutral and non-polar, with arginine, which is basic and polar, at codon 21 of the DNASE1L3 protein (p.Met21Arg). This variant is present in population databases (rs759796258, gnomAD 0.006%). This variant has not been reported in the literature in individuals affected with DNASE1L3-related conditions. ClinVar contains an entry for this variant (Variation ID: 2117997). An algorithm developed to predict the effect of missense changes on protein structure and function (PolyPhen-2) suggests that this variant is likely to be tolerated. In summary, the available evidence is currently insufficient to determine the role of this variant in disease. Therefore, it has been classified as a Variant of Uncertain Significance.